The following is an entry in ClinVar:

ClinVar aggregate classification (germline): Likely benign (0 of 4 stars; one submission).

Conditions:
LARGE1-related disorder. Also called: LARGE1-related condition.

Submission:

PreventionGenetics, part of Exact Sciences
Classification: Likely benign for LARGE1-related condition. Last evaluated: 2019-08-30. Review status: no assertion criteria provided. Collection method: clinical testing. Allele origin: germline.
Comment: This variant is classified as likely benign based on ACMG/AMP sequence variant interpretation guidelines (Richards et al. 2015 PMID: 25741868, with internal and published modifications).

NM_133642.5(LARGE1):c.1920C>G (p.Ala640=)

Gene: LARGE1 (LARGE xylosyl- and glucuronyltransferase 1; minus strand). Cytogenetic location: 22q12.3.
Variant type: single nucleotide variant.
Coding change: c.1920C>G on transcript NM_133642.5 (MANE Select); coding-DNA position 1920, C replaced by G.
Protein change: p.Ala640=; no amino-acid change (alanine 640 retained).
Molecular consequence: synonymous variant.
Genome position (GRCh38, 1-based): chr22:33,277,213, G>C on the plus strand (C>G on the coding strand, the complement: LARGE1 is on the minus strand). VCF-style: chr22-33277213-G-C. GRCh37 (hg19) VCF-style: chr22-33673199-G-C.
Other names: c.1920C>G, p.Ala640= (NM_001362949.2, NM_001362951.2, NM_001362953.2 and 4 more transcripts); c.1773C>G, p.Ala591= (NM_001378627.1, NM_001378628.1); c.1764C>G, p.Ala588= (NM_001378629.1); c.1317C>G, p.Ala439= (NM_001378630.1); c.1014C>G, p.Ala338= (NM_001378631.1).
Identifiers: ClinVar variation 3042474 (VCV003042474.2), dbSNP rs2145831959, ClinGen allele CA514412090.